The following is an entry in ClinVar:

ClinVar aggregate classification (germline): Uncertain significance. Review status: criteria provided, multiple submitters, no conflicts (2 of 4 stars). 3 submissions from 3 submitters: Uncertain significance (3). Last evaluated 2025-07-13.

Conditions:
KIDINS220-related disorder. Also called: KIDINS220-related condition.
Inborn genetic diseases. Identifiers: MedGen C0950123, MeSH D030342.

Allele frequency attached by ClinVar (database versions not stated): ExAC 0.00002; TOPMed 0.00003; gnomAD 0.00006.
gnomAD v4.1: 17 of 1,613,980 alleles (0.0011%); highest among the groups gnomAD compares: Admixed American, 0.022%; no homozygotes.

Submissions (3):

PreventionGenetics, part of Exact Sciences
Classification: Uncertain significance for KIDINS220-related condition. Last evaluated: 2025-07-13. Review status: criteria provided, single submitter. Criteria: ACMG Guidelines, 2015. Collection method: clinical testing. Allele origin: germline.
Comment: The KIDINS220 c.3926C>A variant is predicted to result in the amino acid substitution p.Ser1309Tyr. To our knowledge, this variant has not been reported in the literature. This variant is reported in 0.012% of alleles in individuals of Latino descent in gnomAD. At this time, the clinical significance of this variant is uncertain due to the absence of conclusive functional and genetic evidence.

Ambry Genetics
Classification: Uncertain significance for Inborn genetic diseases. Last evaluated: 2025-05-14. Review status: criteria provided, single submitter. Criteria: Ambry Variant Classification Scheme 2023. Collection method: clinical testing. Allele origin: germline.

Labcorp Genetics (formerly Invitae), Labcorp
Classification: Uncertain significance. Last evaluated: 2024-01-26. Review status: criteria provided, single submitter. Criteria: Invitae Variant Classification Sherloc (09022015). Collection method: clinical testing. Allele origin: germline.
Comment: This sequence change replaces serine, which is neutral and polar, with tyrosine, which is neutral and polar, at codon 1309 of the KIDINS220 protein (p.Ser1309Tyr). This variant is present in population databases (rs781272996, gnomAD 0.01%). This variant has not been reported in the literature in individuals affected with KIDINS220-related conditions. ClinVar contains an entry for this variant (Variation ID: 2188572). An algorithm developed to predict the effect of missense changes on protein structure and function (PolyPhen-2) suggests that this variant is likely to be tolerated. In summary, the available evidence is currently insufficient to determine the role of this variant in disease. Therefore, it has been classified as a Variant of Uncertain Significance.

NM_020738.4(KIDINS220):c.3926C>A (p.Ser1309Tyr)

Gene: KIDINS220 (kinase D interacting substrate 220; minus strand). Cytogenetic location: 2p25.1.
Variant type: single nucleotide variant.
Coding change: c.3926C>A on transcript NM_020738.4 (MANE Select); coding-DNA position 3926, C replaced by A.
Protein change: p.Ser1309Tyr; replaces serine 1309 with tyrosine.
Molecular consequence: missense variant. On other transcripts: non-coding transcript variant (2).
Genome position (GRCh38, 1-based): chr2:8,733,571, G>T on the plus strand (C>A on the coding strand, the complement: KIDINS220 is on the minus strand). VCF-style: chr2-8733571-G-T. GRCh37 (hg19) VCF-style: chr2-8873701-G-T.
Other names: c.3929C>A, p.Ser1310Tyr (NM_001348729.2); c.3872C>A, p.Ser1291Tyr (NM_001348731.2); c.3869C>A, p.Ser1290Tyr (NM_001348732.2, NM_001348738.2); c.3758C>A, p.Ser1253Tyr (NM_001348734.2, NM_001348739.2, NM_001348740.2); c.3755C>A, p.Ser1252Tyr (NM_001348735.2, NM_001348741.2, NM_001348742.2 and 1 more transcripts); c.3629C>A, p.Ser1210Tyr (NM_001348736.2); c.3926C>A (NM_020738.2); short protein forms S1210Y, S1252Y, S1291Y, S1310Y, S1253Y, S1290Y, S1309Y.
Identifiers: ClinVar variation 2188572 (VCV002188572.6), dbSNP rs781272996, ClinGen allele CA1519473.